The following is an entry in ClinVar:

NM_001009944.3(PKD1):c.3161+5G>T

Gene: PKD1 (polycystin 1, transient receptor potential channel interacting; minus strand). Cytogenetic location: 16p13.3.
Variant type: single nucleotide variant.
Coding change: c.3161+5G>T on transcript NM_001009944.3 (MANE Select); 5 bases into the intron after coding-DNA position 3161, G replaced by T.
Molecular consequence: intron variant.
Genome position (GRCh38, 1-based): chr16:2,112,783, C>A on the plus strand (G>T on the coding strand, the complement: PKD1 is on the minus strand). VCF-style: chr16-2112783-C-A. GRCh37 (hg19) VCF-style: chr16-2162784-C-A.
Other names: c.3161+5G>T (NM_000296.4).
Identifiers: ClinVar variation 3730853 (VCV003730853.1).

ClinVar aggregate classification (germline): Likely pathogenic (1 of 4 stars; one submission).

Submission:

GeneDx
Classification: Likely pathogenic. Last evaluated: 2024-08-12. Review status: criteria provided, single submitter. Criteria: GeneDx Variant Classification Process June 2021. Collection method: clinical testing. Allele origin: germline. Affected: yes.
Comment: Intronic variant directly or indirectly altering the +5 splice site in a gene for which loss of function is a known mechanism of disease, and splice predictors support a deleterious effect; Not observed at significant frequency in large population cohorts (gnomAD); This variant is associated with the following publications: (PMID: 37078890, 26150605)